The following is an entry in ClinVar:

ClinVar aggregate classification (germline): Uncertain significance (1 of 4 stars; one submission).

Allele frequency attached by ClinVar (database versions not stated): gnomAD exomes below 0.00001; gnomAD 0.00003; TOPMed 0.00003.
gnomAD v4.1: 10 of 1,613,822 alleles (0.00062%); highest among the groups gnomAD compares: Admixed American, 0.0017%; no homozygotes.

Submission:

Women's Health and Genetics/Laboratory Corporation of America, LabCorp
Classification: Uncertain significance. Last evaluated: 2024-04-11. Review status: criteria provided, single submitter. Criteria: LabCorp Variant Classification Summary - May 2015. Collection method: clinical testing. Allele origin: germline.
Comment: Variant summary: SPEN c.10250C>G (p.Thr3417Ser) results in a conservative amino acid change in the encoded protein sequence. Five of five in-silico tools predict a benign effect of the variant on protein function. The variant allele was found at a frequency of 8e-06 in 251076 control chromosomes (gnomAD). The available data on variant occurrences in the general population are insufficient to allow any conclusion about variant significance. To our knowledge, no occurrence of c.10250C>G in individuals affected with Radio-Tartaglia Syndrome and no experimental evidence demonstrating its impact on protein function have been reported. No submitters have cited clinical-significance assessments for this variant to ClinVar. Based on the evidence outlined above, the variant was classified as uncertain significance.

NM_015001.3(SPEN):c.10250C>G (p.Thr3417Ser)

Gene: SPEN (spen family transcriptional repressor; plus strand). Cytogenetic location: 1p36.13.
Variant type: single nucleotide variant.
Coding change: c.10250C>G on transcript NM_015001.3 (MANE Select); coding-DNA position 10250, C replaced by G.
Protein change: p.Thr3417Ser; replaces threonine 3417 with serine.
Molecular consequence: missense variant.
Genome position (GRCh38, 1-based): chr1:15,937,386, C>G. VCF-style: chr1-15937386-C-G. GRCh37 (hg19) VCF-style: chr1-16263881-C-G.
Other names: short protein forms T3417S.
Identifiers: ClinVar variation 3251352 (VCV003251352.1), dbSNP rs1486274869.